The following is an entry in ClinVar:

NM_006662.3(SRCAP):c.7585C>T (p.Leu2529Phe)

Gene: SRCAP (Snf2 related CREBBP activator protein; plus strand). Cytogenetic location: 16p11.2.
Variant type: single nucleotide variant.
Coding change: c.7585C>T on transcript NM_006662.3 (MANE Select); coding-DNA position 7585, C replaced by T.
Protein change: p.Leu2529Phe; replaces leucine 2529 with phenylalanine.
Molecular consequence: missense variant.
Genome position (GRCh38, 1-based): chr16:30,737,625, C>T. VCF-style: chr16-30737625-C-T. GRCh37 (hg19) VCF-style: chr16-30748946-C-T.
Other names: short protein forms L2529F.
Identifiers: ClinVar variation 4082717 (VCV004082717.1).

ClinVar aggregate classification (germline): Uncertain significance (1 of 4 stars; one submission).

Submission:

GeneDx
Classification: Uncertain significance. Last evaluated: 2025-03-02. Review status: criteria provided, single submitter. Criteria: GeneDx Variant Classification Process June 2021. Collection method: clinical testing. Allele origin: germline. Affected: yes.
Comment: Not observed at significant frequency in large population cohorts (gnomAD); In silico analysis supports that this missense variant has a deleterious effect on protein structure/function; Has not been previously published as pathogenic or benign to our knowledge